The following is an entry in ClinVar:

ClinVar aggregate classification (germline): Uncertain significance (1 of 4 stars; one submission).

Conditions:
Alzheimer disease. Also called: Presenile and senile dementia; Alzheimer's disease. Identifiers: Orphanet 1020, MedGen C0002395, MeSH D000544, MONDO:0004975, HP:0002511.

Submission:

Labcorp Genetics (formerly Invitae), Labcorp
Classification: Uncertain significance for Alzheimer disease. Last evaluated: 2025-10-06. Review status: criteria provided, single submitter. Criteria: Invitae Variant Classification Sherloc (09022015). Collection method: clinical testing. Allele origin: germline.
Comment: This sequence change replaces alanine, which is neutral and non-polar, with valine, which is neutral and non-polar, at codon 553 of the APP protein (p.Ala553Val). This variant is not present in population databases (gnomAD no frequency). This variant has not been reported in the literature in individuals affected with APP-related conditions. ClinVar contains an entry for this variant (Variation ID: 1519517). Invitae Evidence Modeling of protein sequence and biophysical properties (such as structural, functional, and spatial information, amino acid conservation, physicochemical variation, residue mobility, and thermodynamic stability) indicates that this missense variant is not expected to disrupt APP protein function with a negative predictive value of 95%. In summary, the available evidence is currently insufficient to determine the role of this variant in disease. Therefore, it has been classified as a Variant of Uncertain Significance.

NM_000484.4(APP):c.1658C>T (p.Ala553Val)

Gene: APP (amyloid beta precursor protein; minus strand). Cytogenetic location: 21q21.3.
Variant type: single nucleotide variant.
Coding change: c.1658C>T on transcript NM_000484.4 (MANE Select); coding-DNA position 1658, C replaced by T.
Protein change: p.Ala553Val; replaces alanine 553 with valine.
Molecular consequence: missense variant.
Genome position (GRCh38, 1-based): chr21:25,954,619, G>A on the plus strand (C>T on the coding strand, the complement: APP is on the minus strand). VCF-style: chr21-25954619-G-A. GRCh37 (hg19) VCF-style: chr21-27326933-G-A.
Other names: c.1586C>T, p.Ala529Val (NM_001136016.3); c.1265C>T, p.Ala422Val (NM_001136129.3); c.1490C>T, p.Ala497Val (NM_001136130.3, NM_001385253.1); c.1328C>T, p.Ala443Val (NM_001136131.3); c.1658C>T, p.Ala553Val (NM_001204301.2); c.1601C>T, p.Ala534Val (NM_001204302.2, NM_201413.3); c.1433C>T, p.Ala478Val (NM_001204303.2, NM_201414.3); short protein forms A478V, A553V, A422V, A529V, A534V, A497V, A443V.
Identifiers: ClinVar variation 1519517 (VCV001519517.6), dbSNP rs2146488766, ClinGen allele CA409810010.